The following is an entry in ClinVar:

ClinVar aggregate classification (germline): Conflicting classifications of pathogenicity. Review status: criteria provided, conflicting classifications (1 of 4 stars). 3 submissions from 3 submitters: Uncertain significance (2); Likely benign (1). Last evaluated 2025-09-18.

Conditions:
Inborn genetic diseases. Identifiers: MedGen C0950123, MeSH D030342.
EP300-related disorder. Also called: EP300-related condition; EP300-related disorders.
Rubinstein-Taybi syndrome due to EP300 haploinsufficiency. Also called: EP300-Related Rubinstein-Taybi Syndrome; RUBINSTEIN-TAYBI SYNDROME 2. Identifiers: Orphanet 353284, Orphanet 783, MedGen C3150941, MONDO:0013364, OMIM 613684.

gnomAD v4.1: 41 of 1,613,932 alleles (0.0025%); highest among the groups gnomAD compares: Middle Eastern, 0.016%; no homozygotes.

Submissions (3):

PreventionGenetics, part of Exact Sciences
Classification: Uncertain significance for EP300-related condition. Last evaluated: 2025-09-18. Review status: criteria provided, single submitter. Criteria: ACMG Guidelines, 2015. Collection method: clinical testing. Allele origin: germline.
Comment: The EP300 c.6092C>T variant is predicted to result in the amino acid substitution p.Pro2031Leu. To our knowledge, this variant has not been reported in the literature. This variant is reported in 0.0016% of alleles in individuals of European (Non-Finnish) descent in gnomAD. At this time, the clinical significance of this variant is uncertain due to the absence of conclusive functional and genetic evidence.

Ambry Genetics
Classification: Likely benign for Inborn genetic diseases. Last evaluated: 2025-02-26. Review status: criteria provided, single submitter. Criteria: Ambry Variant Classification Scheme 2023. Collection method: clinical testing. Allele origin: germline.

Labcorp Genetics (formerly Invitae), Labcorp
Classification: Uncertain significance for Rubinstein-Taybi syndrome due to EP300 haploinsufficiency. Last evaluated: 2024-06-23. Review status: criteria provided, single submitter. Criteria: Invitae Variant Classification Sherloc (09022015). Collection method: clinical testing. Allele origin: germline.
Comment: This sequence change replaces proline, which is neutral and non-polar, with leucine, which is neutral and non-polar, at codon 2031 of the EP300 protein (p.Pro2031Leu). The frequency data for this variant in the population databases is considered unreliable, as metrics indicate poor data quality at this position in the gnomAD database. This variant has not been reported in the literature in individuals affected with EP300-related conditions. Advanced modeling of protein sequence and biophysical properties (such as structural, functional, and spatial information, amino acid conservation, physicochemical variation, residue mobility, and thermodynamic stability) performed at Invitae indicates that this missense variant is not expected to disrupt EP300 protein function with a negative predictive value of 80%. In summary, the available evidence is currently insufficient to determine the role of this variant in disease. Therefore, it has been classified as a Variant of Uncertain Significance.

NM_001429.4(EP300):c.6092C>T (p.Pro2031Leu)

Gene: EP300 (EP300 lysine acetyltransferase; plus strand). Cytogenetic location: 22q13.2.
Variant type: single nucleotide variant.
Coding change: c.6092C>T on transcript NM_001429.4 (MANE Select); coding-DNA position 6092, C replaced by T.
Protein change: p.Pro2031Leu; replaces proline 2031 with leucine.
Molecular consequence: missense variant.
Genome position (GRCh38, 1-based): chr22:41,177,803, C>T. VCF-style: chr22-41177803-C-T. GRCh37 (hg19) VCF-style: chr22-41573807-C-T.
Other names: c.6014C>T, p.Pro2005Leu (NM_001362843.2); c.6092C>T (NM_001429.3); short protein forms P2005L, P2031L.
Identifiers: ClinVar variation 3716049 (VCV003716049.4).